The following is an entry in ClinVar:

ClinVar aggregate classification (germline): Uncertain significance (1 of 4 stars; one submission).

gnomAD v4.1: 46 of 1,610,818 alleles (0.0029%); highest among the groups gnomAD compares: Admixed American, 0.037%; 4 homozygotes.

Submission:

Labcorp Genetics (formerly Invitae), Labcorp
Classification: Uncertain significance. Last evaluated: 2024-03-06. Review status: criteria provided, single submitter. Criteria: Invitae Variant Classification Sherloc (09022015). Collection method: clinical testing. Allele origin: germline.
Comment: This sequence change replaces alanine, which is neutral and non-polar, with threonine, which is neutral and polar, at codon 161 of the APOA4 protein (p.Ala161Thr). This variant is present in population databases (rs12721043, gnomAD 0.006%). This variant has not been reported in the literature in individuals affected with APOA4-related conditions. ClinVar contains an entry for this variant (Variation ID: 1351610). Advanced modeling of protein sequence and biophysical properties (such as structural, functional, and spatial information, amino acid conservation, physicochemical variation, residue mobility, and thermodynamic stability) performed at Invitae indicates that this missense variant is not expected to disrupt APOA4 protein function with a negative predictive value of 80%. In summary, the available evidence is currently insufficient to determine the role of this variant in disease. Therefore, it has been classified as a Variant of Uncertain Significance.

NM_000482.4(APOA4):c.481G>A (p.Ala161Thr)

Gene: APOA4 (apolipoprotein A4; minus strand). Cytogenetic location: 11q23.3.
Variant type: single nucleotide variant.
Coding change: c.481G>A on transcript NM_000482.4 (MANE Select); coding-DNA position 481, G replaced by A.
Protein change: p.Ala161Thr; replaces alanine 161 with threonine.
Molecular consequence: missense variant.
Genome position (GRCh38, 1-based): chr11:116,821,577, C>T on the plus strand (G>A on the coding strand, the complement: APOA4 is on the minus strand). VCF-style: chr11-116821577-C-T. GRCh37 (hg19) VCF-style: chr11-116692293-C-T.
Other names: short protein forms A161T.
Identifiers: ClinVar variation 1351610 (VCV001351610.6), dbSNP rs12721043, ClinGen allele CA6289409.
Genomic context (GRCh38, chr11:116,821,577, plus strand): 5'-GCCTCAGCGAGGCCTGCAGGCTGTCGGCGTTCTCCCGCAGCACTCTCTCCATGCGCTGTG[C>T]GTAGGGGGTCAGCTGGCGCCGCAGCTGCTCGGCCTGCGTGCTGACCTGGGTGCGCAGCTG-3'
Protein context (NP_000473.2, residues 151-171): EQLRRQLTPY[Ala161Thr]QRMERVLREN